The following is an entry in ClinVar:

ClinVar aggregate classification (germline): Pathogenic (1 of 4 stars; one submission).

Submission:

ISCA Site 6
Classification: Pathogenic. Last evaluated: 2011-08-12. Review status: criteria provided, single submitter. Criteria: Kaminsky et al. (Genet Med. 2011). Collection method: clinical testing. Allele origin: unknown. Affected: yes. Observed: 1 variant allele.
Comment: Copy number variation identified through the course of routine clinical cytogenomic testing in postnatal populations. Clinical assertions have been curated as described in Kaminsky et al. 2011.

GRCh38/hg38 22q13.31-13.33(chr22:44740175-50739836)x1

Genes: ACR (acrosin; plus strand), ADM2 (adrenomedullin 2; plus strand), ALG12 (ALG12 alpha-1,6-mannosyltransferase; minus strand), ARHGAP8 (Rho GTPase activating protein 8; plus strand), ARSA (arylsulfatase A; minus strand) and 394 more. Cytogenetic location: 22q13.31-13.33.
Variant type: copy number loss.
Change: copy number 1 (one copy instead of two) of chr22:44,740,175-50,739,836 (6.00 Mb, GRCh38 coordinates, 1-based), cytogenetic band 22q13.31-13.33.
Identifiers: ClinVar variation 57672 (VCV000057672.2).